The following is an entry in ClinVar:

NM_000059.4(BRCA2):c.4803T>G (p.Asp1601Glu)

Gene: BRCA2 (BRCA2 DNA repair associated; plus strand). Cytogenetic location: 13q13.1.
Variant type: single nucleotide variant.
Coding change: c.4803T>G on transcript NM_000059.4 (MANE Select); coding-DNA position 4803, T replaced by G.
Protein change: p.Asp1601Glu; replaces aspartic acid 1601 with glutamic acid.
Molecular consequence: missense variant.
Genome position (GRCh38, 1-based): chr13:32,339,158, T>G. VCF-style: chr13-32339158-T-G. GRCh37 (hg19) VCF-style: chr13-32913295-T-G.
Other names: short protein forms D1601E.
Identifiers: ClinVar variation 958851 (VCV000958851.12), dbSNP rs772234613, ClinGen allele CA387783262.

ClinVar aggregate classification (germline): Conflicting classifications of pathogenicity. Review status: criteria provided, conflicting classifications (1 of 4 stars). 3 submissions from 3 submitters: Uncertain significance (1); Likely benign (2). Last evaluated 2024-07-07.

Conditions:
Hereditary cancer-predisposing syndrome. Also called: Tumor predisposition; Hereditary neoplastic syndrome; Neoplastic Syndromes, Hereditary; Hereditary Cancer Syndrome. Identifiers: Orphanet 140162, MedGen C0027672, MeSH D009386, MONDO:0015356.
Hereditary breast ovarian cancer syndrome. Also called: Hereditary breast and ovarian cancer; BRCA1- and BRCA2-Associated Hereditary Breast and Ovarian Cancer; Hereditary breast and/or ovarian cancer syndrome; Hereditary breast and ovarian cancer syndrome; Hereditary breast and ovarian cancer syndrome (HBOC); Breast and ovarian cancer. Identifiers: Orphanet 145, MedGen C0677776, MeSH D061325, MONDO:0003582. Disease mechanism: loss of function.

Submissions (3):

Ambry Genetics
Classification: Likely benign for Hereditary cancer-predisposing syndrome. Last evaluated: 2024-07-07. Review status: criteria provided, single submitter. Criteria: Ambry Variant Classification Scheme 2023. Collection method: clinical testing. Allele origin: germline.

University of Washington Department of Laboratory Medicine, University of Washington
Classification: Likely benign for Hereditary cancer-predisposing syndrome. Last evaluated: 2023-03-23. Review status: criteria provided, single submitter. Criteria: Dines et al. (Genet Med. 2020). Collection method: curation. Allele origin: germline.
Comment: Missense variant in a coldspot region where missense variants are very unlikely to be pathogenic (PMID:31911673).

BRCA2 exon 11 coldspot. Reclassification based on statistical prior probability.

Labcorp Genetics (formerly Invitae), Labcorp
Classification: Uncertain significance for Hereditary breast ovarian cancer syndrome. Last evaluated: 2019-10-08. Review status: criteria provided, single submitter. Criteria: Invitae Variant Classification Sherloc (09022015). Collection method: clinical testing. Allele origin: germline.
Comment: In summary, the available evidence is currently insufficient to determine the role of this variant in disease. Therefore, it has been classified as a Variant of Uncertain Significance. Algorithms developed to predict the effect of missense changes on protein structure and function output the following: SIFT: "Deleterious"; PolyPhen-2: "Benign"; Align-GVGD: "Class C0". The glutamic acid amino acid residue is found in multiple mammalian species, suggesting that this missense change does not adversely affect protein function. These predictions have not been confirmed by published functional studies and their clinical significance is uncertain. This variant has not been reported in the literature in individuals with BRCA2-related conditions. This variant is not present in population databases (ExAC no frequency). This sequence change replaces aspartic acid with glutamic acid at codon 1601 of the BRCA2 protein (p.Asp1601Glu). The aspartic acid residue is weakly conserved and there is a small physicochemical difference between aspartic acid and glutamic acid.